The following is an entry in ClinVar:

NM_002691.4(POLD1):c.1138-20C>T

Gene: POLD1 (DNA polymerase delta 1, catalytic subunit; plus strand). Cytogenetic location: 19q13.33.
Variant type: single nucleotide variant.
Coding change: c.1138-20C>T on transcript NM_002691.4 (MANE Select); 20 bases into the intron before coding-DNA position 1138, C replaced by T.
Molecular consequence: intron variant.
Genome position (GRCh38, 1-based): chr19:50,403,473, C>T. VCF-style: chr19-50403473-C-T. GRCh37 (hg19) VCF-style: chr19-50906730-C-T.
Other names: c.1138-20C>T (NM_001256849.1, NM_001308632.1).
Identifiers: ClinVar variation 3904233 (VCV003904233.1).

ClinVar aggregate classification (germline): Likely benign (1 of 4 stars; one submission).

Conditions:
POLD1-related polyposis and colorectal cancer syndrome (CRCS10). Also called: Colorectal cancer 10; COLORECTAL CANCER, SUSCEPTIBILITY TO, ON CHROMOSOME 19q; Colorectal cancer, susceptibility to, 10. Identifiers: Orphanet 220460, MedGen C2675481, MONDO:0012953, OMIM 612591.

gnomAD v4.1: 1 of 1,564,928 alleles (0.000064%); highest among the groups gnomAD compares: Admixed American, 0.0017%; no homozygotes.

Submission:

Myriad Genetics, Inc.
Classification: Likely benign for POLD1-related polyposis and colorectal cancer syndrome. Last evaluated: 2025-02-05. Review status: criteria provided, single submitter. Criteria: Myriad Autosomal Dominant, Autosomal Recessive and X-Linked Classification Criteria (2023). Collection method: clinical testing. Allele origin: unknown.
Comment: This variant is considered likely benign. This variant is intronic and is not expected to impact mRNA splicing.